The following is an entry in ClinVar:

ClinVar aggregate classification (germline): Conflicting classifications of pathogenicity. Review status: criteria provided, conflicting classifications (1 of 4 stars). 6 submissions from 6 submitters: Uncertain significance (1); Benign (3); Likely benign (1). 1 of the submissions does not count toward it. Last evaluated 2026-01-07.

Conditions:
Rubinstein-Taybi syndrome (RSTS). Identifiers: Orphanet 783, MedGen C0035934, MONDO:0019188.
Inborn genetic diseases. Identifiers: MedGen C0950123, MeSH D030342.
CREBBP-related disorder. Also called: CREBBP-related condition; CREBBP-related disorders.

Allele frequency attached by ClinVar (database versions not stated): gnomAD 0.00049 and 0.00054; ESP Exome Variant Server 0.00054; 1000 Genomes Project 30x 0.00062; TOPMed 0.00067; 1000 Genomes Project 0.00080; gnomAD exomes 0.00014; ExAC 0.00017.
gnomAD v4.1: 154 of 1,613,598 alleles (0.0095%); highest among the groups gnomAD compares: African/African-American, 0.17%; no homozygotes.

Submissions (6):

Labcorp Genetics (formerly Invitae), Labcorp
Classification: Benign for Rubinstein-Taybi syndrome. Last evaluated: 2026-01-07. Review status: criteria provided, single submitter. Criteria: Invitae Variant Classification Sherloc (09022015). Collection method: clinical testing. Allele origin: germline.

Blueprint Genetics
Classification: Likely benign. Last evaluated: 2020-12-03. Review status: criteria provided, single submitter. Criteria: ACMG Guidelines, 2015. Collection method: clinical testing. Allele origin: germline.

GeneDx
Classification: Benign. Last evaluated: 2020-07-31. Review status: criteria provided, single submitter. Criteria: GeneDx Variant Classification Process June 2021. Collection method: clinical testing. Allele origin: germline. Affected: yes.

Ambry Genetics
Classification: Benign for Inborn genetic diseases. Last evaluated: 2019-09-17. Review status: criteria provided, single submitter. Criteria: Ambry Variant Classification Scheme 2023. Collection method: clinical testing. Allele origin: germline.

Eurofins Ntd Llc (ga)
Classification: Uncertain significance. Last evaluated: 2014-01-23. Review status: criteria provided, single submitter. Criteria: EGL Classification Definitions 2015. Collection method: clinical testing. Allele origin: germline. Observed: 1 variant allele, 1 heterozygote.

PreventionGenetics, part of Exact Sciences
Classification: Likely benign for CREBBP-related condition. Last evaluated: 2021-06-15. Review status: no assertion criteria provided. Collection method: clinical testing. Allele origin: germline. Not counted in ClinVar's aggregate classification.
Comment: This variant is classified as likely benign based on ACMG/AMP sequence variant interpretation guidelines (Richards et al. 2015 PMID: 25741868, with internal and published modifications).

NM_004380.3(CREBBP):c.2850G>A (p.Thr950=)

Gene: CREBBP (CREB binding lysine acetyltransferase; minus strand). Cytogenetic location: 16p13.3.
Variant type: single nucleotide variant.
Coding change: c.2850G>A on transcript NM_004380.3 (MANE Select); coding-DNA position 2850, G replaced by A.
Protein change: p.Thr950=; no amino-acid change (threonine 950 retained).
Molecular consequence: synonymous variant.
Genome position (GRCh38, 1-based): chr16:3,770,600, C>T on the plus strand (G>A on the coding strand, the complement: CREBBP is on the minus strand). VCF-style: chr16-3770600-C-T. GRCh37 (hg19) VCF-style: chr16-3820601-C-T.
Other names: c.2736G>A, p.Thr912= (NM_001079846.1).
Identifiers: ClinVar variation 166963 (VCV000166963.21), dbSNP rs141651423, ClinGen allele CA233865.
Genomic context (GRCh38, chr16:3,770,600, plus strand): 5'-CCCAAAAACAGCAGAGACAGAGAGGCTTACCGGTGTGCCAGGAGGCTGGGCGTGCACAGG[C>T]GTCGGCTGTTGCTGCGATGACTGAGGGGTAGCCACAGACGGGGGCTGAACTGGGGTTTGA-3'
Protein context (NP_004371.2, residues 940-960): ATPQSSQQQP[Thr950=]PVHAQPPGTP